The following is an entry in ClinVar:

NM_001008212.2(OPTN):c.1597T>G (p.Tyr533Asp)

Gene: OPTN (optineurin; plus strand). Cytogenetic location: 10p13.
Variant type: single nucleotide variant.
Coding change: c.1597T>G on transcript NM_001008212.2 (MANE Select); coding-DNA position 1597, T replaced by G.
Protein change: p.Tyr533Asp; replaces tyrosine 533 with aspartic acid.
Molecular consequence: missense variant.
Genome position (GRCh38, 1-based): chr10:13,133,566, T>G. VCF-style: chr10-13133566-T-G. GRCh37 (hg19) VCF-style: chr10-13175566-T-G.
Other names: c.1597T>G, p.Tyr533Asp (NM_001008211.1, NM_001008213.1, NM_021980.4); short protein forms Y533D.
Identifiers: ClinVar variation 2628524 (VCV002628524.1), dbSNP rs765504038, ClinGen allele CA5411024.

ClinVar aggregate classification (germline): Uncertain significance (1 of 4 stars; one submission).

Conditions:
OPTN-related disorder. Also called: OPTN-related condition; OPTN-related disorders.

Allele frequency attached by ClinVar (database versions not stated): gnomAD exomes below 0.00001; TOPMed below 0.00001; ExAC 0.00001; gnomAD 0.00001.

Submission:

PreventionGenetics, part of Exact Sciences
Classification: Uncertain significance for OPTN-related condition. Last evaluated: 2023-01-27. Review status: criteria provided, single submitter. Criteria: ACMG Guidelines, 2015. Collection method: clinical testing. Allele origin: germline.
Comment: The OPTN c.1597T>G variant is predicted to result in the amino acid substitution p.Tyr533Asp. To our knowledge, this variant has not been reported in the literature. This variant is reported in 0.00088% of alleles in individuals of European (Non-Finnish) descent in gnomAD. At this time, the clinical significance of this variant is uncertain due to the absence of conclusive functional and genetic evidence.